The following is an entry in ClinVar:

NM_015978.3(TNNI3K):c.1885C>T (p.Arg629Cys)

Genes: FPGT-TNNI3K (FPGT-TNNI3K readthrough; plus strand), TNNI3K (TNNI3 interacting kinase; plus strand). Cytogenetic location: 1p31.1.
Variant type: single nucleotide variant.
Coding change: c.1885C>T on transcript NM_015978.3 (MANE Select); coding-DNA position 1885, C replaced by T.
Protein change: p.Arg629Cys; replaces arginine 629 with cysteine.
Molecular consequence: missense variant.
Genome position (GRCh38, 1-based): chr1:74,439,496, C>T. VCF-style: chr1-74439496-C-T. GRCh37 (hg19) VCF-style: chr1-74905180-C-T.
Other names: c.2188C>T, p.Arg730Cys (NM_001112808.3, NM_001199327.2); short protein forms R629C, R730C.
Identifiers: ClinVar variation 1409255 (VCV001409255.8), dbSNP rs775064070, ClinGen allele CA24566001.
Genomic context (GRCh38, chr1:74,439,496, plus strand): 5'-AGTGGAAGAACCAAACACTTGGTAAATGGCTTGTGGATGTTTCTTGATGTGCAGAACCTC[C>T]GTTGGATGGCTCCTGAGGTGTTCACGCAGTGCACTCGGTACACCATCAAAGCAGATGTCT-3'
Protein context (NP_057062.1, residues 619-639): DNMTKQPGNL[Arg629Cys]WMAPEVFTQC

ClinVar aggregate classification (germline): Uncertain significance (1 of 4 stars; one submission).

Allele frequency attached by ClinVar (database versions not stated): gnomAD exomes below 0.00001 and 0.00002; gnomAD 0.00001; TOPMed 0.00001.
gnomAD v4.1: 23 of 1,612,024 alleles (0.0014%); highest among the groups gnomAD compares: Non-Finnish European, 0.0018%; no homozygotes.

Submission:

Labcorp Genetics (formerly Invitae), Labcorp
Classification: Uncertain significance. Last evaluated: 2024-10-22. Review status: criteria provided, single submitter. Criteria: Invitae Variant Classification Sherloc (09022015). Collection method: clinical testing. Allele origin: germline.
Comment: This sequence change replaces arginine, which is basic and polar, with cysteine, which is neutral and slightly polar, at codon 629 of the TNNI3K protein (p.Arg629Cys). The frequency data for this variant in the population databases is considered unreliable, as metrics indicate poor data quality at this position in the gnomAD database. This variant has not been reported in the literature in individuals affected with TNNI3K-related conditions. ClinVar contains an entry for this variant (Variation ID: 1409255). An algorithm developed to predict the effect of missense changes on protein structure and function (PolyPhen-2) suggests that this variant is likely to be disruptive. In summary, the available evidence is currently insufficient to determine the role of this variant in disease. Therefore, it has been classified as a Variant of Uncertain Significance.